The following is an entry in ClinVar:

NM_001754.5(RUNX1):c.805+8C>T

Gene: RUNX1 (RUNX family transcription factor 1; minus strand). Cytogenetic location: 21q22.12.
Variant type: single nucleotide variant.
Coding change: c.805+8C>T on transcript NM_001754.5 (MANE Select); 8 bases into the intron after coding-DNA position 805, C replaced by T.
Molecular consequence: intron variant.
Genome position (GRCh38, 1-based): chr21:34,834,402, G>A on the plus strand (C>T on the coding strand, the complement: RUNX1 is on the minus strand). VCF-style: chr21-34834402-G-A. GRCh37 (hg19) VCF-style: chr21-36206699-G-A.
Other names: c.724+8C>T (NM_001001890.3, NM_001122607.2).
Identifiers: ClinVar variation 2035290 (VCV002035290.7), dbSNP rs2146074331, ClinGen allele CA2580098630.
Genomic context (GRCh38, chr21:34,834,402, plus strand): 5'-TGGGGGCCAGTTGTGGGTGGTGGCCCAGGTGCAGGAGAGGCGGGCAGTGGGCTCCATCTG[G>A]TACTTACCCTGCATCTGACTCTGAGGCTGAGGGTTAAAGGCAGTGGAGTGGTTCAGGGAG-3'

ClinVar aggregate classification (germline): Likely benign. Review status: reviewed by expert panel (3 of 4 stars). 2 submissions from 2 submitters: Likely benign (1). 1 of the submissions does not count toward it. Last evaluated 2026-04-29.

Conditions:
Hereditary thrombocytopenia and hematologic cancer predisposition syndrome. Identifiers: Orphanet 71290, MedGen CN281654, MONDO:0011071.
Hereditary thrombocytopenia and hematological cancer predisposition syndrome associated with RUNX1. Also called: Familial Platelet Disorder with Propensity to Acute Myelogenous Leukemia; Familial thrombocytopenia with propensity to acute myelogenous leukemia; PLATELET DISORDER, ASPIRIN-LIKE; RUNX1 Familial Platelet Disorder with Associated Myeloid Malignancies. Identifiers: Orphanet 71290, MedGen C1832388, MeSH C563324, MONDO:0100083, OMIM 601399.

gnomAD v4.1: 1 of 1,610,774 alleles (0.000062%); highest among the groups gnomAD compares: African/African-American, 0.0013%; no homozygotes.

Submissions (2):

ClinGen Myeloid Malignancy Variant Curation Expert Panel
Classification: Likely benign for Hereditary thrombocytopenia and hematologic cancer predisposition syndrome. Last evaluated: 2026-04-29. Review status: reviewed by expert panel. Criteria: ClinGen MyeloMalig ACMG Specifications V3.1. Collection method: curation. Allele origin: germline. Inheritance: Autosomal dominant inheritance.
Comment: NM_001754.5(RUNX1):c.805+8C>T is an intronic variant which has a SpliceAI score ≤ 0.20 (0.01) (BP4, BP7). This variant has a MAF ≤ 0.00005 in gnomAD v4 across all subpopulations with at least 20X coverage for RUNX1 (PM2_supporting). In summary, this variant meets criteria to be classified as likely benign. ACMG/AMP criteria applied, as specified by the Myeloid Malignancy Variant Curation Expert Panel for RUNX1: BP4, BP7, PM2_supporting.

Labcorp Genetics (formerly Invitae), Labcorp
Classification: Likely benign for Hereditary thrombocytopenia and hematological cancer predisposition syndrome associated with RUNX1. Last evaluated: 2022-11-03. Review status: criteria provided, single submitter. Criteria: Invitae Variant Classification Sherloc (09022015). Collection method: clinical testing. Allele origin: germline. Not counted in ClinVar's aggregate classification.